The following is an entry in ClinVar:

ClinVar aggregate classification (germline): Conflicting classifications of pathogenicity. Review status: criteria provided, conflicting classifications (1 of 4 stars). 9 submissions from 8 submitters: Uncertain significance (3); Likely benign (3). 3 of the submissions do not count toward it. Last evaluated 2025-11-16.

Conditions:
Retinitis pigmentosa (RP). Identifiers: Orphanet 791, MedGen C0035334, MeSH D012174, MONDO:0019200, OMIM 268000. Inheritance: Autosomal dominant, autosomal recessive and X linked inheritance.
Inborn genetic diseases. Identifiers: MedGen C0950123, MeSH D030342.
Leber congenital amaurosis 11 (LCA11). Identifiers: Orphanet 65, MedGen C1840284, MONDO:0013454, OMIM 613837.
IMPDH1-related disorder. Also called: IMPDH1-related disorders; IMPDH1-related condition.

Allele frequency attached by ClinVar (database versions not stated): ESP Exome Variant Server 0.00023; gnomAD 0.00040 and 0.00051; gnomAD exomes 0.00048 and 0.00063; TOPMed 0.00053; ExAC 0.00066.

Submissions (9):

Labcorp Genetics (formerly Invitae), Labcorp
Classification: Likely benign. Last evaluated: 2025-11-16. Review status: criteria provided, single submitter. Criteria: Invitae Variant Classification Sherloc (09022015). Collection method: clinical testing. Allele origin: germline.

Blueprint Genetics
Classification: Likely benign. Last evaluated: 2024-11-26. Review status: criteria provided, single submitter. Criteria: ACMG Guidelines, 2015. Collection method: clinical testing. Allele origin: germline.

Ambry Genetics
Classification: Uncertain significance for Inborn genetic diseases. Last evaluated: 2023-02-16. Review status: criteria provided, single submitter. Criteria: Ambry Variant Classification Scheme 2023. Collection method: clinical testing. Allele origin: germline.

Illumina Laboratory Services, Illumina
Classification: Uncertain significance for Leber congenital amaurosis 11. Last evaluated: 2018-01-13. Review status: criteria provided, single submitter. Criteria: ICSL Variant Classification Criteria 13 December 2019. Collection method: clinical testing. Allele origin: germline.

Illumina Laboratory Services, Illumina
Classification: Likely benign for Retinitis pigmentosa. Last evaluated: 2018-01-13. Review status: criteria provided, single submitter. Criteria: ICSL Variant Classification Criteria 13 December 2019. Collection method: clinical testing. Allele origin: germline.
Comment: This variant was observed in the ICSL laboratory as part of a predisposition screen in an ostensibly healthy population. It had not been previously curated by ICSL or reported in the Human Gene Mutation Database (HGMD: prior to June 1st, 2018), and was therefore a candidate for classification through an automated scoring system. Utilizing variant allele frequency, disease prevalence and penetrance estimates, and inheritance mode, an automated score was calculated to assess if this variant is too frequent to cause the disease. Based on the score and internal cut-off values, a variant classified as likely benign is not then subjected to further curation. The score for this variant resulted in a classification of likely benign for this disease.

GeneDx
Classification: Uncertain significance. Last evaluated: 2017-08-10. Review status: criteria provided, single submitter. Criteria: GeneDx Variant Classification (06012015). Collection method: clinical testing. Allele origin: germline. Affected: yes.
Comment: The T257A variant in the IMPDH1 gene has not been reported previously as a pathogenic variant, nor as a benign variant, to our knowledge. The T257A variant is observed in 33/15946 (0.2%) alleles from individuals of South Asian background, in the ExAC dataset (Lek et al., 2016). The T257A variant is a non-conservative amino acid substitution, which is likely to impact secondary protein structure as these residues differ in polarity, charge, size and/or other properties. This substitution occurs at a position that is not conserved. In silico analysis is inconsistent in its predictions as to whether or not the variant is damaging to the protein structure/function. We interpret T257A as a variant of uncertain significance.

PreventionGenetics, part of Exact Sciences
Classification: Likely benign for IMPDH1-related condition. Last evaluated: 2020-04-29. Review status: no assertion criteria provided. Collection method: clinical testing. Allele origin: germline. Not counted in ClinVar's aggregate classification.
Comment: This variant is classified as likely benign based on ACMG/AMP sequence variant interpretation guidelines (Richards et al. 2015 PMID: 25741868, with internal and published modifications).

Clinical Genetics DNA and cytogenetics Diagnostics Lab, Erasmus MC, Erasmus Medical Center
Classification: Likely benign. Review status: no assertion criteria provided. Collection method: clinical testing. Allele origin: germline. Affected: yes. Study: VKGL Data-share Consensus. Not counted in ClinVar's aggregate classification.

Clinical Genetics, Academic Medical Center
Classification: Likely benign. Review status: no assertion criteria provided. Collection method: clinical testing. Allele origin: germline. Affected: yes. Study: VKGL Data-share Consensus. Not counted in ClinVar's aggregate classification.

NM_000883.4(IMPDH1):c.769A>G (p.Thr257Ala)

Gene: IMPDH1 (inosine monophosphate dehydrogenase 1; minus strand). Cytogenetic location: 7q32.1.
Variant type: single nucleotide variant.
Coding change: c.769A>G on transcript NM_000883.4 (MANE Select); coding-DNA position 769, A replaced by G.
Protein change: p.Thr257Ala; replaces threonine 257 with alanine.
Molecular consequence: missense variant.
Genome position (GRCh38, 1-based): chr7:128,400,350, T>C on the plus strand (A>G on the coding strand, the complement: IMPDH1 is on the minus strand). VCF-style: chr7-128400350-T-C. GRCh37 (hg19) VCF-style: chr7-128040404-T-C.
Other names: c.739A>G, p.Thr247Ala (NM_001102605.2); c.514A>G, p.Thr172Ala (NM_001142573.2); c.499A>G, p.Thr167Ala (NM_001142574.2); c.439A>G, p.Thr147Ala (NM_001142575.2); c.670A>G, p.Thr224Ala (NM_001142576.2); c.562A>G, p.Thr188Ala (NM_001304521.2); c.661A>G, p.Thr221Ala (NM_183243.3); short protein forms T257A, T221A, T167A, T172A, T188A, T224A, T247A, T147A.
Identifiers: ClinVar variation 358878 (VCV000358878.23), dbSNP rs144659635, ClinGen allele CA4471065.